The following is an entry in ClinVar:

NM_005876.5(SPEG):c.476C>T (p.Thr159Met)

Gene: SPEG (striated muscle enriched protein kinase; plus strand). Cytogenetic location: 2q35.
Variant type: single nucleotide variant.
Coding change: c.476C>T on transcript NM_005876.5 (MANE Select); coding-DNA position 476, C replaced by T.
Protein change: p.Thr159Met; replaces threonine 159 with methionine.
Molecular consequence: missense variant.
Genome position (GRCh38, 1-based): chr2:219,444,740, C>T. VCF-style: chr2-219444740-C-T. GRCh37 (hg19) VCF-style: chr2-220309462-C-T.
Other names: short protein forms T159M.
Identifiers: ClinVar variation 1491302 (VCV001491302.7), dbSNP rs1348621476, ClinGen allele CA350710217.

ClinVar aggregate classification (germline): Uncertain significance (1 of 4 stars; one submission).

Allele frequency attached by ClinVar (database versions not stated): TOPMed below 0.00001; gnomAD 0.00001.

Submission:

Labcorp Genetics (formerly Invitae), Labcorp
Classification: Uncertain significance. Last evaluated: 2024-02-23. Review status: criteria provided, single submitter. Criteria: Invitae Variant Classification Sherloc (09022015). Collection method: clinical testing. Allele origin: germline.
Comment: This sequence change replaces threonine, which is neutral and polar, with methionine, which is neutral and non-polar, at codon 159 of the SPEG protein (p.Thr159Met). This variant is present in population databases (no rsID available, gnomAD 0.01%). This variant has not been reported in the literature in individuals affected with SPEG-related conditions. ClinVar contains an entry for this variant (Variation ID: 1491302). An algorithm developed to predict the effect of missense changes on protein structure and function (PolyPhen-2) suggests that this variant is likely to be tolerated. In summary, the available evidence is currently insufficient to determine the role of this variant in disease. Therefore, it has been classified as a Variant of Uncertain Significance.